The following is an entry in ClinVar:

NM_018060.4(IARS2):c.390+7A>G

Gene: IARS2 (isoleucyl-tRNA synthetase 2, mitochondrial; plus strand). Cytogenetic location: 1q41.
Variant type: single nucleotide variant.
Coding change: c.390+7A>G on transcript NM_018060.4 (MANE Select); 7 bases into the intron after coding-DNA position 390, A replaced by G.
Molecular consequence: intron variant.
Genome position (GRCh38, 1-based): chr1:220,096,233, A>G. VCF-style: chr1-220096233-A-G. GRCh37 (hg19) VCF-style: chr1-220269575-A-G.
Other names: p.?.
Identifiers: ClinVar variation 382420 (VCV000382420.43), dbSNP rs35204279, ClinGen allele CA1401093.
Genomic context (GRCh38, chr1:220,096,233, plus strand): 5'-GATGGACCTCCTTATGCAAACGGTGACCCTCATGTTGGACATGCTTTAAATAAGGTAACT[A>G]TAATTTAGGTTATGACACTTGAAAGAAAGTGTTTATGTAAATACTCTTTATAAATGTGTA-3'

ClinVar aggregate classification (germline): Benign/Likely benign. Review status: criteria provided, multiple submitters, no conflicts (2 of 4 stars). 6 submissions from 6 submitters: Benign (3); Likely benign (3). Last evaluated 2026-09-01.

Conditions:
IARS2-related disorder. Also called: IARS2-related condition.

Allele frequency attached by ClinVar (database versions not stated): 1000 Genomes Project 30x 0.00031; 1000 Genomes Project 0.00040; ESP Exome Variant Server 0.00092; TOPMed 0.00136; ExAC 0.00167; gnomAD 0.00173 and 0.00185; gnomAD exomes 0.00184.
gnomAD v4.1: 2,846 of 1,555,832 alleles (0.18%); highest among the groups gnomAD compares: Non-Finnish European, 0.17%; 6 homozygotes.

Submissions (6):

CeGaT Center for Human Genetics Tuebingen
Classification: Likely benign. Last evaluated: 2026-09-01. Review status: criteria provided, single submitter. Criteria: CeGaT Center For Human Genetics Tuebingen Variant Classification Criteria Version 2. Collection method: clinical testing. Allele origin: germline. Affected: yes. Observed: 2 variant alleles.
Comment: IARS2: BP4, BS1

PreventionGenetics, part of Exact Sciences
Classification: Benign for IARS2-related condition. Last evaluated: 2026-08-17. Review status: criteria provided, single submitter. Criteria: ACMG Guidelines, 2015. Collection method: clinical testing. Allele origin: germline.
Comment: This variant is classified as benign based on ACMG/AMP sequence variant interpretation guidelines (Richards et al. 2015 PMID: 25741868, with internal and published modifications).

Labcorp Genetics (formerly Invitae), Labcorp
Classification: Benign. Last evaluated: 2026-01-19. Review status: criteria provided, single submitter. Criteria: Invitae Variant Classification Sherloc (09022015). Collection method: clinical testing. Allele origin: germline.

Blueprint Genetics
Classification: Likely benign. Last evaluated: 2024-11-19. Review status: criteria provided, single submitter. Criteria: ACMG Guidelines, 2015. Collection method: clinical testing. Allele origin: germline.

Mayo Clinic Laboratories, Mayo Clinic
Classification: Benign. Last evaluated: 2023-04-19. Review status: criteria provided, single submitter. Criteria: ACMG Guidelines, 2015. Collection method: clinical testing. Allele origin: germline. Observed: 8 variant alleles.
Comment: BS1, BS2, BP4

GeneDx
Classification: Likely benign. Last evaluated: 2018-06-14. Review status: criteria provided, single submitter. Criteria: GeneDx Variant Classification Process June 2021. Collection method: clinical testing. Allele origin: germline. Affected: yes.